The following is an entry in ClinVar:

NM_001283009.2(RTEL1):c.3543C>G (p.Ile1181Met)

Genes: RTEL1 (regulator of telomere elongation helicase 1; plus strand), RTEL1-TNFRSF6B (RTEL1-TNFRSF6B readthrough (NMD candidate); plus strand). Cytogenetic location: 20q13.33.
Variant type: single nucleotide variant.
Coding change: c.3543C>G on transcript NM_001283009.2 (MANE Select); coding-DNA position 3543, C replaced by G.
Protein change: p.Ile1181Met; replaces isoleucine 1181 with methionine.
Molecular consequence: missense variant. On other transcripts: non-coding transcript variant (1).
Genome position (GRCh38, 1-based): chr20:63,695,371, C>G. VCF-style: chr20-63695371-C-G. GRCh37 (hg19) VCF-style: chr20-62326724-C-G.
Other names: c.2874C>G, p.Ile958Met (NM_001283010.1); c.3543C>G, p.Ile1181Met (NM_016434.4); c.3615C>G, p.Ile1205Met (NM_032957.5); short protein forms I1205M, I958M, I1181M.
Identifiers: ClinVar variation 3948305 (VCV003948305.3).

ClinVar aggregate classification (germline): Uncertain significance. Review status: criteria provided, multiple submitters, no conflicts (2 of 4 stars). 3 submissions from 3 submitters: Uncertain significance (3). Last evaluated 2025-09-16.

Conditions:
Inborn genetic diseases. Identifiers: MedGen C0950123, MeSH D030342.
Dyskeratosis congenita, autosomal recessive 5 (DKCB5). Identifiers: MedGen C3554656, MONDO:0014076, OMIM 615190.
Pulmonary fibrosis and/or bone marrow failure, Telomere-related, 3. Also called: PULMONARY FIBROSIS AND/OR BONE MARROW FAILURE SYNDROME, TELOMERE-RELATED, 3. Identifiers: Orphanet 2032, MedGen C4225346, MONDO:0014613, OMIM 616373.

gnomAD v4.1: 11 of 1,548,218 alleles (0.00071%); highest among the groups gnomAD compares: Non-Finnish European, 0.00087%; no homozygotes.

Submissions (3):

Labcorp Genetics (formerly Invitae), Labcorp
Classification: Uncertain significance for Dyskeratosis congenita, autosomal recessive 5; Pulmonary fibrosis and/or bone marrow failure, Telomere-related, 3. Last evaluated: 2025-09-16. Review status: criteria provided, single submitter. Criteria: Invitae Variant Classification Sherloc (09022015). Collection method: clinical testing. Allele origin: germline.
Comment: This sequence change replaces isoleucine, which is neutral and non-polar, with methionine, which is neutral and non-polar, at codon 1181 of the RTEL1 protein (p.Ile1181Met). This variant is present in population databases (rs748910434, gnomAD 0.02%). This variant has not been reported in the literature in individuals affected with RTEL1-related conditions. ClinVar contains an entry for this variant (Variation ID: 3948305). An algorithm developed to predict the effect of missense changes on protein structure and function (PolyPhen-2) suggests that this variant is likely to be disruptive. In summary, the available evidence is currently insufficient to determine the role of this variant in disease. Therefore, it has been classified as a Variant of Uncertain Significance.

Ambry Genetics
Classification: Uncertain significance for Inborn genetic diseases. Last evaluated: 2025-04-06. Review status: criteria provided, single submitter. Criteria: Ambry Variant Classification Scheme 2023. Collection method: clinical testing. Allele origin: germline.
Comment: The p.I1181M variant (also known as c.3543C>G), located in coding exon 33 of the RTEL1 gene, results from a C to G substitution at nucleotide position 3543. The isoleucine at codon 1181 is replaced by methionine, an amino acid with highly similar properties. This amino acid position is conserved. In addition, this alteration is predicted to be tolerated by in silico analysis. Based on the available evidence, the clinical significance of this variant remains unclear.

Blueprint Genetics
Classification: Uncertain significance. Last evaluated: 2022-01-18. Review status: criteria provided, single submitter. Criteria: ACMG Guidelines, 2015. Collection method: clinical testing. Allele origin: germline.